The following is an entry in ClinVar:

ClinVar aggregate classification (germline): Uncertain significance (1 of 4 stars; one submission).

Conditions:
Hereditary cancer-predisposing syndrome. Also called: Neoplastic Syndromes, Hereditary; Tumor predisposition; Hereditary Cancer Syndrome; Hereditary neoplastic syndrome. Identifiers: Orphanet 140162, MedGen C0027672, MeSH D009386, MONDO:0015356.

Submission:

Ambry Genetics
Classification: Uncertain significance for Hereditary cancer-predisposing syndrome. Last evaluated: 2026-03-17. Review status: criteria provided, single submitter. Criteria: Ambry Variant Classification Scheme 2023. Collection method: clinical testing. Allele origin: germline.
Comment: The p.D218E variant (also known as c.654T>G), located in coding exon 3 of the XRCC2 gene, results from a T to G substitution at nucleotide position 654. The aspartic acid at codon 218 is replaced by glutamic acid, an amino acid with highly similar properties. This amino acid position is conserved. In addition, this alteration is predicted to be tolerated by in silico analysis. Based on the available evidence, the clinical significance of this variant remains unclear.

NM_005431.2(XRCC2):c.654T>G (p.Asp218Glu)

Gene: XRCC2 (X-ray repair cross complementing 2; minus strand). Cytogenetic location: 7q36.1.
Variant type: single nucleotide variant.
Coding change: c.654T>G on transcript NM_005431.2 (MANE Select); coding-DNA position 654, T replaced by G.
Protein change: p.Asp218Glu; replaces aspartic acid 218 with glutamic acid.
Molecular consequence: missense variant.
Genome position (GRCh38, 1-based): chr7:152,648,831, A>C on the plus strand (T>G on the coding strand, the complement: XRCC2 is on the minus strand). VCF-style: chr7-152648831-A-C. GRCh37 (hg19) VCF-style: chr7-152345916-A-C.
Other names: short protein forms D218E.
Identifiers: ClinVar variation 4866839 (VCV004866839.1).